The following is an entry in ClinVar:

NM_015047.3(EMC1):c.2713C>G (p.His905Asp)

Genes: EMC1 (ER membrane protein complex subunit 1; minus strand), EMC1-AS1 (EMC1 antisense RNA 1; plus strand). Cytogenetic location: 1p36.13.
Variant type: single nucleotide variant.
Coding change: c.2713C>G on transcript NM_015047.3 (MANE Select); coding-DNA position 2713, C replaced by G.
Protein change: p.His905Asp; replaces histidine 905 with aspartic acid.
Molecular consequence: missense variant.
Genome position (GRCh38, 1-based): chr1:19,219,658, G>C on the plus strand (C>G on the coding strand, the complement: EMC1 is on the minus strand). VCF-style: chr1-19219658-G-C. GRCh37 (hg19) VCF-style: chr1-19546152-G-C.
Other names: c.2710C>G, p.His904Asp (NM_001271427.2, NM_001271428.2); c.2647C>G, p.His883Asp (NM_001271429.2); c.2722C>G, p.His908Asp (NM_001375820.1); c.2719C>G, p.His907Asp (NM_001375821.1); short protein forms H883D, H904D, H905D, H907D, H908D.
Identifiers: ClinVar variation 4693709 (VCV004693709.1).

ClinVar aggregate classification (germline): Uncertain significance (1 of 4 stars; one submission).

gnomAD v4.1: 25 of 1,614,074 alleles (0.0015%); highest among the groups gnomAD compares: Non-Finnish European, 0.0019%; no homozygotes.

Submission:

Labcorp Genetics (formerly Invitae), Labcorp
Classification: Uncertain significance. Last evaluated: 2025-03-01. Review status: criteria provided, single submitter. Criteria: Invitae Variant Classification Sherloc (09022015). Collection method: clinical testing. Allele origin: germline.
Comment: This sequence change replaces histidine, which is basic and polar, with aspartic acid, which is acidic and polar, at codon 905 of the EMC1 protein (p.His905Asp). This variant is present in population databases (rs374950905, gnomAD 0.003%). This variant has not been reported in the literature in individuals affected with EMC1-related conditions. Invitae Evidence Modeling of protein sequence and biophysical properties (such as structural, functional, and spatial information, amino acid conservation, physicochemical variation, residue mobility, and thermodynamic stability) indicates that this missense variant is not expected to disrupt EMC1 protein function with a negative predictive value of 80%. In summary, the available evidence is currently insufficient to determine the role of this variant in disease. Therefore, it has been classified as a Variant of Uncertain Significance.